The following is an entry in ClinVar:

NM_212482.4(FN1):c.811G>A (p.Glu271Lys)

Gene: FN1 (fibronectin 1; minus strand). Cytogenetic location: 2q35.
Variant type: single nucleotide variant.
Coding change: c.811G>A on transcript NM_212482.4 (MANE Select); coding-DNA position 811, G replaced by A.
Protein change: p.Glu271Lys; replaces glutamic acid 271 with lysine.
Molecular consequence: missense variant.
Genome position (GRCh38, 1-based): chr2:215,428,213, C>T on the plus strand (G>A on the coding strand, the complement: FN1 is on the minus strand). VCF-style: chr2-215428213-C-T. GRCh37 (hg19) VCF-style: chr2-216292936-C-T.
Other names: c.811G>A, p.Glu271Lys (NM_001306129.2, NM_001306130.2, NM_001306131.2 and 14 more transcripts); short protein forms E271K.
Identifiers: ClinVar variation 1719991 (VCV001719991.5), dbSNP rs2470465910, ClinGen allele CA350473743.

ClinVar aggregate classification (germline): Uncertain significance (1 of 4 stars; one submission).

Submission:

Labcorp Genetics (formerly Invitae), Labcorp
Classification: Uncertain significance. Last evaluated: 2025-03-31. Review status: criteria provided, single submitter. Criteria: Invitae Variant Classification Sherloc (09022015). Collection method: clinical testing. Allele origin: germline.
Comment: This sequence change replaces glutamic acid, which is acidic and polar, with lysine, which is basic and polar, at codon 271 of the FN1 protein (p.Glu271Lys). This variant is not present in population databases (gnomAD no frequency). This variant has not been reported in the literature in individuals affected with FN1-related conditions. ClinVar contains an entry for this variant (Variation ID: 1719991). An algorithm developed to predict the effect of missense changes on protein structure and function (PolyPhen-2) suggests that this variant is likely to be disruptive. In summary, the available evidence is currently insufficient to determine the role of this variant in disease. Therefore, it has been classified as a Variant of Uncertain Significance.